The following is an entry in ClinVar:

NM_001290060.2(SEMA3B):c.1918G>A (p.Gly640Ser)

Gene: SEMA3B (semaphorin 3B; plus strand). Cytogenetic location: 3p21.31.
Variant type: single nucleotide variant.
Coding change: c.1918G>A on transcript NM_001290060.2 (MANE Select); coding-DNA position 1918, G replaced by A.
Protein change: p.Gly640Ser; replaces glycine 640 with serine.
Molecular consequence: missense variant. On other transcripts: non-coding transcript variant (1).
Genome position (GRCh38, 1-based): chr3:50,276,374, G>A. VCF-style: chr3-50276374-G-A. GRCh37 (hg19) VCF-style: chr3-50313805-G-A.
Other names: c.1915G>A, p.Gly639Ser (NM_001005914.3); c.1933G>A, p.Gly645Ser (NM_001290061.1); c.889G>A, p.Gly297Ser (NM_001290062.2, NM_001290063.2); c.1918G>A, p.Gly640Ser (NM_004636.4); short protein forms G297S, G639S, G640S, G645S.
Identifiers: ClinVar variation 3046817 (VCV003046817.2), dbSNP rs587686284, ClinGen allele CA2414195.

ClinVar aggregate classification (germline): Likely benign (0 of 4 stars; one submission).

Conditions:
SEMA3B-related disorder. Also called: SEMA3B-related condition.

Allele frequency attached by ClinVar (database versions not stated): ExAC 0.00065; 1000 Genomes Project 30x 0.00062; gnomAD 0.00004; 1000 Genomes Project 0.00100; gnomAD exomes 0.00010; TOPMed 0.00001.
gnomAD v4.1: 149 of 1,535,810 alleles (0.0097%); highest among the groups gnomAD compares: South Asian, 0.17%; 2 homozygotes.

Submission:

PreventionGenetics, part of Exact Sciences
Classification: Likely benign for SEMA3B-related condition. Last evaluated: 2023-10-09. Review status: no assertion criteria provided. Collection method: clinical testing. Allele origin: germline.
Comment: This variant is classified as likely benign based on ACMG/AMP sequence variant interpretation guidelines (Richards et al. 2015 PMID: 25741868, with internal and published modifications).